The following is an entry in ClinVar:

NM_001367479.1(DNAH14):c.9763G>A (p.Asp3255Asn)

Gene: DNAH14 (dynein axonemal heavy chain 14; plus strand). Cytogenetic location: 1q42.12.
Variant type: single nucleotide variant.
Coding change: c.9763G>A on transcript NM_001367479.1 (MANE Select); coding-DNA position 9763, G replaced by A.
Protein change: p.Asp3255Asn; replaces aspartic acid 3255 with asparagine.
Molecular consequence: missense variant.
Genome position (GRCh38, 1-based): chr1:225,331,476, G>A. VCF-style: chr1-225331476-G-A. GRCh37 (hg19) VCF-style: chr1-225519178-G-A.
Other names: NM_001373.1:c.9484G>A; short protein forms D3255N.
Identifiers: ClinVar variation 1810723 (VCV001810723.4), dbSNP rs377611333, ClinGen allele CA1416570.
Genomic context (GRCh38, chr1:225,331,476, plus strand): 5'-AATGAATTAATTATCTTTCAGGTTGAAGAACATTTGCTGTTTTTACAGGCAGCTTACAAA[G>A]ATACCGTTGCTGAAAAACAACTATTAGCAAATCGGAAAACAATGGCCAGCAGGCGCTTTC-3'
Protein context (NP_001354408.1, residues 3245-3265): HLLFLQAAYK[Asp3255Asn]TVAEKQLLAN

ClinVar aggregate classification (germline): Uncertain significance. Review status: criteria provided, multiple submitters, no conflicts (2 of 4 stars). 2 submissions from 2 submitters: Uncertain significance (2). Last evaluated 2026-10-21.

Allele frequency attached by ClinVar (database versions not stated): 1000 Genomes Project 30x 0.00031; gnomAD 0.00033; ESP Exome Variant Server 0.00044; ExAC 0.00028; TOPMed 0.00035; 1000 Genomes Project 0.00040; gnomAD exomes 0.00004.
gnomAD v4.1: 123 of 1,551,494 alleles (0.0079%); highest among the groups gnomAD compares: African/African-American, 0.12%; no homozygotes.

Submissions (2):

GeneDx
Classification: Uncertain significance. Last evaluated: 2026-10-21. Review status: criteria provided, single submitter. Criteria: GeneDx Variant Classification Process June 2021. Collection method: clinical testing. Allele origin: germline.
Comment: In silico analysis suggests that this missense variant does not alter protein structure/function; Has not been previously published as pathogenic or benign to our knowledge

Ambry Genetics
Classification: Uncertain significance. Last evaluated: 2023-12-19. Review status: criteria provided, single submitter. Criteria: Ambry Variant Classification Scheme 2023. Collection method: clinical testing. Allele origin: germline.